The following is an entry in ClinVar:

NM_002579.3(PALM):c.188C>T (p.Ala63Val)

Gene: PALM (paralemmin; plus strand). Cytogenetic location: 19p13.3.
Variant type: single nucleotide variant.
Coding change: c.188C>T on transcript NM_002579.3 (MANE Select); coding-DNA position 188, C replaced by T.
Protein change: p.Ala63Val; replaces alanine 63 with valine.
Molecular consequence: missense variant.
Genome position (GRCh38, 1-based): chr19:727,613, C>T. VCF-style: chr19-727613-C-T. GRCh37 (hg19) VCF-style: chr19-727613-C-T.
Other names: c.188C>T, p.Ala63Val (NM_001040134.2); short protein forms A63V.
Identifiers: ClinVar variation 4748485 (VCV004748485.1).

ClinVar aggregate classification (germline): Uncertain significance (1 of 4 stars; one submission).

gnomAD v4.1: 4 of 1,580,178 alleles (0.00025%); highest among the groups gnomAD compares: Admixed American, 0.0074%; no homozygotes.

Submission:

Labcorp Genetics (formerly Invitae), Labcorp
Classification: Uncertain significance. Last evaluated: 2025-07-29. Review status: criteria provided, single submitter. Criteria: Invitae Variant Classification Sherloc (09022015). Collection method: clinical testing. Allele origin: germline.
Comment: This sequence change replaces alanine, which is neutral and non-polar, with valine, which is neutral and non-polar, at codon 63 of the PALM protein (p.Ala63Val). This variant is present in population databases (rs771948185, gnomAD 0.007%). This variant has not been reported in the literature in individuals affected with PALM-related conditions. An algorithm developed to predict the effect of missense changes on protein structure and function (PolyPhen-2) suggests that this variant is likely to be tolerated. In summary, the available evidence is currently insufficient to determine the role of this variant in disease. Therefore, it has been classified as a Variant of Uncertain Significance.